The following is an entry in ClinVar:

NM_001134831.2(AHI1):c.2504G>A (p.Arg835Lys)

Gene: AHI1 (Abelson helper integration site 1; minus strand). Cytogenetic location: 6q23.3.
Variant type: single nucleotide variant.
Coding change: c.2504G>A on transcript NM_001134831.2 (MANE Select); coding-DNA position 2504, G replaced by A.
Protein change: p.Arg835Lys; replaces arginine 835 with lysine.
Molecular consequence: missense variant.
Genome position (GRCh38, 1-based): chr6:135,428,748, C>T on the plus strand (G>A on the coding strand, the complement: AHI1 is on the minus strand). VCF-style: chr6-135428748-C-T. GRCh37 (hg19) VCF-style: chr6-135749886-C-T.
Other names: c.2504G>A, p.Arg835Lys (NM_001134832.2, NM_001350503.2, NM_001350504.2 and 2 more transcripts); short protein forms R835K.
Identifiers: ClinVar variation 1022398 (VCV001022398.10), dbSNP rs767879919, ClinGen allele CA4012352.
Genomic context (GRCh38, chr6:135,428,748, plus strand): 5'-CCACATGGAGTCAAAGTACTATGAATCTTCTCCCGATAATTTGCTGCTCCTACAAACTTC[C>T]TTGCTACTAATCTACAAGCAAAAAAGATTTTACAAATGTAACTGTCTTAATCATGTAAAT-3'
Protein context (NP_001128303.1, residues 825-845): RIMDLRILVA[Arg835Lys]KFVGAANYRE

ClinVar aggregate classification (germline): Uncertain significance. Review status: criteria provided, multiple submitters, no conflicts (2 of 4 stars). 6 submissions from 6 submitters: Uncertain significance (6). Last evaluated 2025-06-16.

Conditions:
AHI1-related disorder. Also called: AHI1-related condition.
Joubert syndrome. Also called: Familial aplasia of the vermis; JOUBERT-BOLTSHAUSER SYNDROME. Identifiers: Orphanet 475, MedGen C5979921, MONDO:0018772.
Joubert syndrome 3 (JBTS3). Also called: AHI1-related Ciliopathy. Identifiers: Orphanet 220493, MedGen C1837713, MONDO:0012078, OMIM 608629.
Inborn genetic diseases. Identifiers: MedGen C0950123, MeSH D030342.

Allele frequency attached by ClinVar (database versions not stated): ExAC 0.00001; gnomAD 0.00001; gnomAD exomes 0.00002.
gnomAD v4.1: 37 of 1,602,398 alleles (0.0023%); highest among the groups gnomAD compares: Middle Eastern, 0.017%; no homozygotes.

Submissions (6):

Ambry Genetics
Classification: Uncertain significance for Inborn genetic diseases. Last evaluated: 2025-06-16. Review status: criteria provided, single submitter. Criteria: Ambry Variant Classification Scheme 2023. Collection method: clinical testing. Allele origin: germline.

PreventionGenetics, part of Exact Sciences
Classification: Uncertain significance for AHI1-related condition. Last evaluated: 2024-10-22. Review status: criteria provided, single submitter. Criteria: ACMG Guidelines, 2015. Collection method: clinical testing. Allele origin: germline.
Comment: The AHI1 c.2504G>A variant is predicted to result in the amino acid substitution p.Arg835Lys. To our knowledge, this variant has not been reported in the literature. This variant is reported in 0.0091% of alleles in individuals of Latino descent in gnomAD. At this time, the clinical significance of this variant is uncertain due to the absence of conclusive functional and genetic evidence.

Blueprint Genetics
Classification: Uncertain significance. Last evaluated: 2023-12-22. Review status: criteria provided, single submitter. Criteria: ACMG Guidelines, 2015. Collection method: clinical testing. Allele origin: germline.

Labcorp Genetics (formerly Invitae), Labcorp
Classification: Uncertain significance for Joubert syndrome. Last evaluated: 2022-10-17. Review status: criteria provided, single submitter. Criteria: Invitae Variant Classification Sherloc (09022015). Collection method: clinical testing. Allele origin: germline.
Comment: This sequence change replaces arginine, which is basic and polar, with lysine, which is basic and polar, at codon 835 of the AHI1 protein (p.Arg835Lys). This variant is present in population databases (rs767879919, gnomAD 0.006%). This variant has not been reported in the literature in individuals affected with AHI1-related conditions. ClinVar contains an entry for this variant (Variation ID: 1022398). Advanced modeling of protein sequence and biophysical properties (such as structural, functional, and spatial information, amino acid conservation, physicochemical variation, residue mobility, and thermodynamic stability) performed at Invitae indicates that this missense variant is not expected to disrupt AHI1 protein function. In summary, the available evidence is currently insufficient to determine the role of this variant in disease. Therefore, it has been classified as a Variant of Uncertain Significance.

Fulgent Genetics
Classification: Uncertain significance for Joubert syndrome 3. Last evaluated: 2022-03-11. Review status: criteria provided, single submitter. Criteria: ACMG Guidelines, 2015. Collection method: clinical testing. Allele origin: unknown.

GeneDx
Classification: Uncertain significance. Last evaluated: 2020-01-14. Review status: criteria provided, single submitter. Criteria: GeneDx Variant Classification Process June 2021. Collection method: clinical testing. Allele origin: germline. Affected: yes.
Comment: In silico analysis, which includes protein predictors and evolutionary conservation, supports that this variant does not alter protein structure/function; Has not been previously published as pathogenic or benign to our knowledge